The following is an entry in ClinVar:

NM_001363118.2(SLC52A2):c.777C>T (p.Gly259=)

Gene: SLC52A2 (solute carrier family 52 member 2; plus strand). Cytogenetic location: 8q24.3.
Variant type: single nucleotide variant.
Coding change: c.777C>T on transcript NM_001363118.2 (MANE Select); coding-DNA position 777, C replaced by T.
Protein change: p.Gly259=; no amino-acid change (glycine 259 retained).
Molecular consequence: synonymous variant. On other transcripts: non-coding transcript variant (1).
Genome position (GRCh38, 1-based): chr8:144,360,269, C>T. VCF-style: chr8-144360269-C-T. GRCh37 (hg19) VCF-style: chr8-145583929-C-T.
Other names: c.777C>T, p.Gly259= (NM_001253815.2, NM_001253816.2, NM_001363120.2 and 2 more transcripts); c.285C>T, p.Gly95= (NM_001363122.2).
Identifiers: ClinVar variation 1042426 (VCV001042426.3), dbSNP rs1554854195, ClinGen allele CA463550109.

ClinVar aggregate classification (germline): Uncertain significance (1 of 4 stars; one submission).

Conditions:
Brown-Vialetto-van Laere syndrome 2. Also called: Riboflavin transporter deficiency type 2; SPINOCEREBELLAR ATAXIA WITH BLINDNESS AND DEAFNESS 2. Identifiers: Orphanet 572543, Orphanet 97229, MedGen C3553538, MONDO:0013867, OMIM 614707.

Allele frequency attached by ClinVar (database versions not stated): gnomAD exomes below 0.00001.

Submission:

Labcorp Genetics (formerly Invitae), Labcorp
Classification: Uncertain significance for Brown-Vialetto-van Laere syndrome 2. Last evaluated: 2020-01-04. Review status: criteria provided, single submitter. Criteria: Invitae Variant Classification Sherloc (09022015). Collection method: clinical testing. Allele origin: germline.
Comment: In summary, the available evidence is currently insufficient to determine the role of this variant in disease. Therefore, it has been classified as a Variant of Uncertain Significance. Algorithms developed to predict the effect of sequence changes on RNA splicing suggest that this variant may create or strengthen a splice site, but this prediction has not been confirmed by published transcriptional studies. This variant has not been reported in the literature in individuals with SLC52A2-related conditions. This variant is not present in population databases (ExAC no frequency). This sequence change affects codon 259 of the SLC52A2 mRNA. It is a 'silent' change, meaning that it does not change the encoded amino acid sequence of the SLC52A2 protein.